The following is an entry in ClinVar:

ClinVar aggregate classification (germline): Conflicting classifications of pathogenicity. Review status: criteria provided, conflicting classifications (1 of 4 stars). 10 submissions from 10 submitters: Pathogenic (2); Likely pathogenic (5); Uncertain significance (3). Last evaluated 2026-09-06.

Conditions:
DNAAF11-related disorder. Also called: DNAAF11-related condition.
Primary ciliary dyskinesia 19. Also called: CILIARY DYSKINESIA, PRIMARY, 19, WITH OR WITHOUT SITUS INVERSUS. Identifiers: Orphanet 244, MedGen C3543826, MONDO:0013979, OMIM 614935.
LRRC6-related disorders.
Respiratory ciliopathies including non-CF bronchiectasis.

Allele frequency attached by ClinVar (database versions not stated): gnomAD exomes 0.00006 and 0.00010; TOPMed 0.00006; ExAC 0.00007; ESP Exome Variant Server 0.00008; gnomAD 0.00009 and 0.00010.
gnomAD v4.1: 164 of 1,614,164 alleles (0.01%); highest among the groups gnomAD compares: Middle Eastern, 0.033%; no homozygotes.

Submissions (10):

PreventionGenetics, part of Exact Sciences
Classification: Likely pathogenic for DNAAF11-related condition. Last evaluated: 2026-09-06. Review status: criteria provided, single submitter. Criteria: ACMG Guidelines, 2015. Collection method: clinical testing. Allele origin: germline.
Comment: The DNAAF11 c.299T>C variant is predicted to result in the amino acid substitution p.Ile100Thr. This variant has been reported with a second DNAAF11 variant in individuals with primary ciliary dyskinesia (Boaretto et al. 2016. PubMed ID: 27637300; Table S1, Zhao et al. 2021. PubMed ID: 34210339; Table E4, Shoemark et al. 2021. PubMed ID: 33479112). This variant is reported in 0.013% of alleles in individuals of European (non-Finnish) descent in gnomAD. This variant is interpreted as likely pathogenic.

Victorian Clinical Genetics Services, Murdoch Childrens Research Institute
Classification: Likely pathogenic for Primary ciliary dyskinesia 19. Last evaluated: 2026-03-17. Review status: criteria provided, single submitter. Criteria: ACMG Guidelines, 2015. Collection method: clinical testing. Allele origin: germline. Affected: yes.
Comment: This variant is classified as Likely pathogenic. Evidence in support of pathogenic classification: Variant is present in gnomAD <0.01 for a recessive condition (v4: 164 heterozygote(s), 0 homozygote(s)) ; This variant has moderate previous evidence of pathogenicity in unrelated individuals. It has been classified twice as a VUS, but more recently as likely pathogenic and pathogenic by clinical diagnostic laboratories (ClinVar). It has also been reported in three heterozygous individuals with primary ciliary dyskinesia, where a second hit was identified (PMID: 27637300;33479112;34210339). Additional information: Variant is predicted to result in a missense amino acid change from isoleucine to threonine; This variant is heterozygous; This gene is associated with autosomal recessive disease; Alternative amino acid change(s) at the same position are present in gnomAD (Highest allele count: v4: 4 heterozygote(s), 0 homozygote(s)) ; No published segregation evidence has been identified for this variant; No published functional evidence has been identified for this variant; No comparable missense variants have previous evidence for pathogenicity; Variant is located in the annotated LRR4 domain (PMID: 36515799); Missense variant with inconclusive in silico prediction and uninformative conservation; Loss of function is a known mechanism of disease in this gene and is associated with ciliary dyskinesia, primary, 19 (MIM#614935) - Heterozygous variant detected in trans with a second LIKELY PATHOGENIC heterozygous variant (NM_012472.6(DNAAF11):c.653+5G>A) in a recessive disease.

NHS Central & South Genomic Laboratory Hub
Classification: Likely pathogenic for Respiratory ciliopathies including non-CF bronchiectasis. Last evaluated: 2025-09-25. Review status: criteria provided, single submitter. Criteria: ACMG Guidelines, 2015. Collection method: clinical testing. Allele origin: germline. Affected: yes.

Labcorp Genetics (formerly Invitae), Labcorp
Classification: Pathogenic for Primary ciliary dyskinesia 19. Last evaluated: 2025-08-04. Review status: criteria provided, single submitter. Criteria: Invitae Variant Classification Sherloc (09022015). Collection method: clinical testing. Allele origin: germline.
Comment: This sequence change replaces isoleucine, which is neutral and non-polar, with threonine, which is neutral and polar, at codon 100 of the LRRC6 protein (p.Ile100Thr). This variant is present in population databases (rs139008774, gnomAD 0.01%). This missense change has been observed in individual(s) with clinical features of primary ciliary dyskinesia (PMID: 27637300; internal data). In at least one individual the data is consistent with being in trans (on the opposite chromosome) from a pathogenic variant. ClinVar contains an entry for this variant (Variation ID: 540329). Invitae Evidence Modeling of protein sequence and biophysical properties (such as structural, functional, and spatial information, amino acid conservation, physicochemical variation, residue mobility, and thermodynamic stability) indicates that this missense variant is not expected to disrupt LRRC6 protein function with a negative predictive value of 80%. For these reasons, this variant has been classified as Pathogenic.

Laboratory of Genetics, Children's Clinical University Hospital Latvia
Classification: Likely pathogenic. Last evaluated: 2025-02-16. Review status: criteria provided, single submitter. Criteria: ACMG Guidelines, 2015. Collection method: clinical testing. Allele origin: germline. Affected: yes.

Blueprint Genetics
Classification: Pathogenic for LRRC6-related disorders. Last evaluated: 2024-05-30. Review status: criteria provided, single submitter. Criteria: ACMG Guidelines, 2015. Collection method: clinical testing. Allele origin: germline. Affected: yes. Observed: 5 variant alleles.

Revvity Omics, Revvity
Classification: Uncertain significance for Primary ciliary dyskinesia 19. Last evaluated: 2024-02-02. Review status: criteria provided, single submitter. Criteria: ACMG Guidelines, 2015. Collection method: clinical testing. Allele origin: germline.

CeGaT Center for Human Genetics Tuebingen
Classification: Likely pathogenic. Last evaluated: 2021-12-01. Review status: criteria provided, single submitter. Criteria: CeGaT Center For Human Genetics Tuebingen Variant Classification Criteria Version 2. Collection method: clinical testing. Allele origin: germline. Affected: yes. Observed: 2 variant alleles.

Illumina Laboratory Services, Illumina
Classification: Uncertain significance for Primary ciliary dyskinesia 19. Last evaluated: 2018-01-12. Review status: criteria provided, single submitter. Criteria: ICSL Variant Classification Criteria 13 December 2019. Collection method: clinical testing. Allele origin: germline.

Institute for Medical Genetics and Human Genetics, Charité - Universitätsmedizin Berlin
Classification: Uncertain significance for Primary ciliary dyskinesia 19. Review status: criteria provided, single submitter. Criteria: ACMG Guidelines, 2015. Collection method: not provided. Allele origin: germline. Inheritance: Autosomal recessive inheritance. Affected: yes.

Literature cited by the submitters: PubMed 27637300 (cited by Victorian Clinical Genetics Services, Murdoch Childrens Research Institute and Labcorp Genetics (formerly Invitae), Labcorp); PubMed 36515799 (cited by Victorian Clinical Genetics Services, Murdoch Childrens Research Institute).

NM_012472.6(DNAAF11):c.299T>C (p.Ile100Thr)

Gene: DNAAF11 (dynein axonemal assembly factor 11; minus strand). Cytogenetic location: 8q24.22.
Variant type: single nucleotide variant.
Coding change: c.299T>C on transcript NM_012472.6 (MANE Select); coding-DNA position 299, T replaced by C.
Protein change: p.Ile100Thr; replaces isoleucine 100 with threonine.
Molecular consequence: missense variant. On other transcripts: 5 prime UTR variant (4), non-coding transcript variant (10).
Genome position (GRCh38, 1-based): chr8:132,638,065, A>G on the plus strand (T>C on the coding strand, the complement: DNAAF11 is on the minus strand). VCF-style: chr8-132638065-A-G. GRCh37 (hg19) VCF-style: chr8-133650311-A-G.
Other names: c.299T>C (NM_012472.5); c.299T>C, p.Ile100Thr (NM_001321961.2); c.53T>C, p.Ile18Thr (NM_001321962.2); c.-62T>C (NM_001321963.2, NM_001321964.2, NM_001321965.2 and 1 more transcripts); short protein forms I100T, I18T.
Identifiers: ClinVar variation 540329 (VCV000540329.59), dbSNP rs139008774, ClinGen allele CA4881409.